The following is an entry in ClinVar:

NM_015665.6(AAAS):c.-130C>T

Genes: AAAS (aladin WD repeat nucleoporin; minus strand), LOC130007973 (ATAC-STARR-seq lymphoblastoid active region 6415; plus strand). Cytogenetic location: 12q13.13.
Variant type: single nucleotide variant.
Coding change: c.-130C>T on transcript NM_015665.6 (MANE Select); 130 bases upstream of the start codon, C replaced by T.
Molecular consequence: 5 prime UTR variant.
Genome position (GRCh38, 1-based): chr12:53,321,595, G>A on the plus strand (C>T on the coding strand, the complement: AAAS is on the minus strand). VCF-style: chr12-53321595-G-A. GRCh37 (hg19) VCF-style: chr12-53715379-G-A.
Other names: c.-130C>T (NM_001173466.2).
Identifiers: ClinVar variation 309746 (VCV000309746.33), dbSNP rs149864679, ClinGen allele CA10642842.

ClinVar aggregate classification (germline): Benign (1 of 4 stars; one submission).

Allele frequency attached by ClinVar (database versions not stated): gnomAD 0.00792 and 0.00832; 1000 Genomes Project 30x 0.00250; 1000 Genomes Project 0.00260; TOPMed 0.00737.
gnomAD v4.1: 14,654 of 1,489,442 alleles (0.98%); highest among the groups gnomAD compares: Non-Finnish European, 1.2%; 100 homozygotes.

Submission:

CeGaT Center for Human Genetics Tuebingen
Classification: Benign. Last evaluated: 2024-04-01. Review status: criteria provided, single submitter. Criteria: CeGaT Center For Human Genetics Tuebingen Variant Classification Criteria Version 2. Collection method: clinical testing. Allele origin: germline. Affected: yes. Observed: 6 variant alleles.
Comment: AAAS: BS1, BS2